The following is an entry in ClinVar:

ClinVar aggregate classification (germline): Likely pathogenic (1 of 4 stars; one submission).

Submission:

Labcorp Genetics (formerly Invitae), Labcorp
Classification: Likely pathogenic. Last evaluated: 2022-05-12. Review status: criteria provided, single submitter. Criteria: Invitae Variant Classification Sherloc (09022015). Collection method: clinical testing. Allele origin: germline.
Comment: This variant has not been reported in the literature in individuals affected with POLE-related conditions. This sequence change affects a donor splice site in intron 17 of the POLE gene. It is expected to disrupt RNA splicing. Variants that disrupt the donor or acceptor splice site typically lead to a loss of protein function (PMID: 16199547), and loss-of-function variants in POLE are known to be pathogenic (PMID: 23230001, 25948378, 30503519). This variant is not present in population databases (gnomAD no frequency). Algorithms developed to predict the effect of sequence changes on RNA splicing suggest that this variant may disrupt the consensus splice site. In summary, the currently available evidence indicates that the variant is pathogenic, but additional data are needed to prove that conclusively. Therefore, this variant has been classified as Likely Pathogenic.

Literature cited by the submitters: PubMed 16199547; PubMed 23230001; PubMed 25948378; PubMed 30503519.

NM_006231.4(POLE):c.1923+2T>A

Gene: POLE (DNA polymerase epsilon, catalytic subunit; minus strand). Cytogenetic location: 12q24.33.
Variant type: single nucleotide variant.
Coding change: c.1923+2T>A on transcript NM_006231.4 (MANE Select); the canonical splice donor site of the intron after coding-DNA position 1923, T replaced by A.
Molecular consequence: splice donor variant.
Genome position (GRCh38, 1-based): chr12:132,668,809, A>T on the plus strand (T>A on the coding strand, the complement: POLE is on the minus strand). VCF-style: chr12-132668809-A-T. GRCh37 (hg19) VCF-style: chr12-133245395-A-T.
Identifiers: ClinVar variation 1439400 (VCV001439400.8), dbSNP rs2135978895, ClinGen allele CA387355261.
Genomic context (GRCh38, chr12:132,668,809, plus strand): 5'-GAGAAAGCACTTAGGGCTGGGCAGAGAGAGCTCCGACTCTGACACGGGAAGTAAAGTCTC[A>T]CCTGCAGGCGGTTGGTCAGGATGATGTTGGGGTACATGGCCCCCACGTCCAGGTGGTAGA-3'